The following is an entry in ClinVar:

NM_016341.4(PLCE1):c.6681T>G (p.Gly2227=)

Genes: NOC3L (NOC3 like DNA replication regulator; minus strand), PLCE1 (phospholipase C epsilon 1; plus strand). Cytogenetic location: 10q23.33.
Variant type: single nucleotide variant.
Coding change: c.6681T>G on transcript NM_016341.4 (MANE Select); coding-DNA position 6681, T replaced by G.
Protein change: p.Gly2227=; no amino-acid change (glycine 2227 retained).
Molecular consequence: synonymous variant.
Genome position (GRCh38, 1-based): chr10:94,324,528, T>G. VCF-style: chr10-94324528-T-G. GRCh37 (hg19) VCF-style: chr10-96084285-T-G.
Other names: c.5757T>G, p.Gly1919= (NM_001165979.2); c.6633T>G, p.Gly2211= (NM_001288989.2).
Identifiers: ClinVar variation 2716729 (VCV002716729.11), dbSNP rs773517330, ClinGen allele CA5613632.
Genomic context (GRCh38, chr10:94,324,528, plus strand): 5'-CTCTCAGCGGGTCCTTCTGGATCAGGAGTGTGTGTTTCAAGCCCAAAGCAAGTGGAAAGG[T>G]GCAGGAAAATTCATCCTTAAGCTAAAGGAGCAGGTGCAGGTAAAGTTTAAAGTTATTTTG-3'
Protein context (NP_057425.3, residues 2217-2237): CVFQAQSKWK[Gly2227=]AGKFILKLKE

ClinVar aggregate classification (germline): Likely benign. Review status: criteria provided, multiple submitters, no conflicts (2 of 4 stars). 2 submissions from 2 submitters: Likely benign (2). Last evaluated 2025-08-01.

Allele frequency attached by ClinVar (database versions not stated): gnomAD 0.00004; ExAC 0.00005; TOPMed 0.00007.
gnomAD v4.1: 46 of 1,613,992 alleles (0.0029%); highest among the groups gnomAD compares: Admixed American, 0.005%; 1 homozygote.

Submissions (2):

CeGaT Center for Human Genetics Tuebingen
Classification: Likely benign. Last evaluated: 2025-08-01. Review status: criteria provided, single submitter. Criteria: CeGaT Center For Human Genetics Tuebingen Variant Classification Criteria Version 2. Collection method: clinical testing. Allele origin: germline. Affected: yes. Observed: 1 variant allele.
Comment: PLCE1: BP4, BP7

Labcorp Genetics (formerly Invitae), Labcorp
Classification: Likely benign. Last evaluated: 2024-01-06. Review status: criteria provided, single submitter. Criteria: Invitae Variant Classification Sherloc (09022015). Collection method: clinical testing. Allele origin: germline.